The following is an entry in ClinVar:

NM_005159.5(ACTC1):c.941G>A (p.Arg314His)

Genes: ACTC1 (actin alpha cardiac muscle 1; minus strand), GJD2-DT (GJD2 divergent transcript; plus strand). Cytogenetic location: 15q14.
Variant type: single nucleotide variant.
Coding change: c.941G>A on transcript NM_005159.5 (MANE Select); coding-DNA position 941, G replaced by A.
Protein change: p.Arg314His; replaces arginine 314 with histidine.
Molecular consequence: missense variant.
Genome position (GRCh38, 1-based): chr15:34,791,163, C>T on the plus strand (G>A on the coding strand, the complement: ACTC1 is on the minus strand). VCF-style: chr15-34791163-C-T. GRCh37 (hg19) VCF-style: chr15-35083364-C-T.
Other names: R312H; c.941G>A, p.Arg314His (LRG_388t1); short protein forms R314H.
Identifiers: ClinVar variation 18323 (VCV000018323.36), dbSNP rs121912673, ClinGen allele CA020002.

ClinVar aggregate classification (germline): Conflicting classifications of pathogenicity. Review status: criteria provided, conflicting classifications (1 of 4 stars). 11 submissions from 11 submitters: Likely pathogenic (7); Uncertain significance (2). 2 of the submissions do not count toward it. Last evaluated 2026-08-04.

Conditions:
ACTC1-related disorder. Also called: ACTC1-related condition.
Hypertrophic cardiomyopathy 11. Also called: ACTC1-Related Familial Hypertrophic Cardiomyopathy. Identifiers: MedGen C2677506, MONDO:0012799, OMIM 612098.
Dilated cardiomyopathy 1R (CMD1R). Identifiers: Orphanet 154, Orphanet 54260, MedGen C3150681, MONDO:0013261, OMIM 613424.
Atrial septal defect 5 (ASD5). Identifiers: Orphanet 1478, MedGen C2748552, MONDO:0013011, OMIM 612794.
Cardiomyopathy (CMYO). Also called: Cardiomyopathies. Identifiers: Orphanet 167848, MedGen C0878544, MONDO:0004994, HP:0001638. Inheritance: Various modes of inheritance.
Hypertrophic cardiomyopathy. Also called: HYPERTROPHIC MYOCARDIOPATHY. Identifiers: Orphanet 217569, MedGen C0007194, MeSH D002312, MONDO:0005045, HP:0001639.

Allele frequency attached by ClinVar (database versions not stated): gnomAD 0.00002 and 0.00003; gnomAD exomes 0.00001; TOPMed 0.00001.
gnomAD v4.1: 16 of 1,611,378 alleles (0.00099%); highest among the groups gnomAD compares: Admixed American, 0.0017%; no homozygotes.

Submissions (11):

GeneDx
Classification: Likely pathogenic. Last evaluated: 2026-08-04. Review status: criteria provided, single submitter. Criteria: GeneDx Variant Classification Process June 2021. Collection method: clinical testing. Allele origin: germline.
Comment: Identified in patients with DCM, HCM, and early onset atrial fibrillation in published literature (PMID: 34011823, 9563954, 34495297); Not observed at significant frequency in large population cohorts (gnomAD); Published functional studies demonstrate that this variant results in significant reductions in maximal calcium regulated thin filament velocity (PMID: 19799913); Published functional studies also demonstrate this variant results in decreased contractility and filament stability which authors predicted cause filament disarrays in intact cardiomyocytes (PMID: 35457283); In silico analysis supports that this missense variant has a deleterious effect on protein structure/function; Also known as p.(R312H); This variant is associated with the following publications: (PMID: 22590617, 24736382, 31921954, 26061005, 34930662, 34495297, 35457283, 34011823, 9563954, 36264615, 35130036, 19799913, 39510186)

Clinical Genomics Laboratory, Washington University in St. Louis
Classification: Likely pathogenic for Dilated cardiomyopathy 1R; Hypertrophic cardiomyopathy 11. Last evaluated: 2026-01-23. Review status: criteria provided, single submitter. Criteria: ACMG Guidelines, 2015. Collection method: clinical testing. Allele origin: germline. Affected: yes.
Comment: The ACTC1 c.941G>A (p.Arg314His) variant, also reported as R312H, has been reported in eight individuals with hypertrophic and dilated cardiomyopathies and is reported to segregate with disease in six individuals in two families (Bowling KM et al., PMID: 34930662; Nguyen TV et al., PMID: 34011823; Olson TM et al., PMID: 9563954; Yoneda ZT et al., PMID: 34495297). This variant is only observed in 4/282,300 alleles in the general population (gnomAD v2.1.1), indicating it is not a common variant. Multiple functional studies show reduced rates and extent of polymerization and reduced protein stability, indicating that this variant impacts protein function (Debold EP et al., PMID: 19799913; Hassoun R et al., PMID: 35457283; Mundia MM et al., PMID: 22590617; Vang S et al., PMID: 15819894). Another variant in the same codon, c.940C>T (p.Arg314Cys), has been reported in affected individuals and is considered likely pathogenic (Kaski JP et al., PMID: 20031618; Wang J et al., PMID: 25132132; Zhou Y et al., PMID: 23283745; ClinVar Variation ID: 1766875). This variant has been reported in the ClinVar database as a germline likely pathogenic variant by five submitters and a variant of uncertain significance by two submitters. Based on available information and the ClinGen Cardiomyopathy Expert Panel Specifications to the ACMG/AMP Variant Interpretation Guidelines for ACTC1 Version 1.1.0, this variant is classified as likely pathogenic.

Labcorp Genetics (formerly Invitae), Labcorp
Classification: Likely pathogenic for Dilated cardiomyopathy 1R; Hypertrophic cardiomyopathy 11; Atrial septal defect 5. Last evaluated: 2025-10-20. Review status: criteria provided, single submitter. Criteria: Invitae Variant Classification Sherloc (09022015). Collection method: clinical testing. Allele origin: germline.
Comment: This sequence change replaces arginine, which is basic and polar, with histidine, which is basic and polar, at codon 314 of the ACTC1 protein (p.Arg314His). This variant is present in population databases (rs121912673, gnomAD 0.003%). This missense change has been observed in individual(s) with clinical features of ACTC1-related conditions (PMID: 9563954, 34011823, 34495297, 34930662). It has also been observed to segregate with disease in related individuals. This variant is also known as R312H. ClinVar contains an entry for this variant (Variation ID: 18323). Invitae Evidence Modeling of protein sequence and biophysical properties (such as structural, functional, and spatial information, amino acid conservation, physicochemical variation, residue mobility, and thermodynamic stability) indicates that this missense variant is expected to disrupt ACTC1 protein function with a positive predictive value of 80%. Experimental studies have shown that this missense change affects ACTC1 function (PMID: 19799913, 22590617, 24736382, 35457283). This variant disrupts the p.Arg314 amino acid residue in ACTC1. Other variant(s) that disrupt this residue have been observed in individuals with ACTC1-related conditions (PMID: 9563954, 23283745), which suggests that this may be a clinically significant amino acid residue. In summary, the currently available evidence indicates that the variant is pathogenic, but additional data are needed to prove that conclusively. Therefore, this variant has been classified as Likely Pathogenic.

PreventionGenetics, part of Exact Sciences
Classification: Likely pathogenic for ACTC1-related condition. Last evaluated: 2025-08-29. Review status: criteria provided, single submitter. Criteria: ACMG Guidelines, 2015. Collection method: clinical testing. Allele origin: germline.
Comment: The ACTC1 c.941G>A variant is predicted to result in the amino acid substitution p.Arg314His. This variant has been reported in five unrelated individuals with hypertrophic cardiomyopathy or dilated cardiomyopathy (Olson et al. 1998. PubMed ID: 9563954; Nguyen et al. 2021. PubMed ID: 34011823; Yoneda et al. 2021. PubMed ID: 34495297; Bourfiss et al. 2022. PubMed ID: 36264615). Functional studies show the variant results in reduced mobility and increased calcium sensitivity (Olson et al. 1998. PubMed ID: 9563954; Debold et al. 2009. PubMed ID: 19799913). This variant is reported in 0.0028% of alleles in individuals of Latino descent in gnomAD. This variant is interpreted as likely pathogenic.

All of Us Research Program, National Institutes of Health
Classification: Uncertain significance for Hypertrophic cardiomyopathy. Last evaluated: 2024-04-08. Review status: criteria provided, single submitter. Criteria: ACMG Guidelines, 2015. Collection method: clinical testing. Allele origin: germline. Inheritance: Autosomal dominant inheritance. Observed: 3 variant alleles, 3 heterozygotes.
Comment: This missense variant is located in the myosin head/motor domain of the ACTC1 protein. Computational prediction tools and conservation analyses suggest that this variant may have deleterious impact on the protein function. Computational splicing tools suggest that this variant may not impact RNA splicing. Experimental studies have shown that this variant may affect protein stability, calcium sensitivity and interaction with MYBPC3 (PMID: 19799913, 22590617, 24736382). However, clinical relevance of these observations is not known. This variant has been reported to segregate with dilated cardiomyopathy in three affected individuals from one family (PMID: 9563954). Other DCM-associated genes were not tested in this study. This variant has been identified in 4/276578 chromosomes in the general population by the Genome Aggregation Database (gnomAD). While there is a suspicion for a pathogenic role, available evidence is insufficient to determine the role of this variant in disease conclusively. Therefore, this variant is classified as Variant of Uncertain Significance.

This study involves interpretation of variants in research participants for the purpose of population health screening. Participant phenotype was not available at the time of variant classification. Additional details can be found in publication PMID: 35346344, PMCID: PMC8962531

Color Diagnostics, LLC DBA Color Health
Classification: Uncertain significance for Cardiomyopathy. Last evaluated: 2023-02-02. Review status: criteria provided, single submitter. Criteria: ACMG Guidelines, 2015. Collection method: clinical testing. Allele origin: germline.
Comment: This missense variant replaces arginine with histidine at codon 314 of the ACTC1 protein. Computational prediction suggests that this variant may have deleterious impact on protein structure and function (internally defined REVEL score threshold >= 0.7, PMID: 27666373). Functional studies have shown that this variant adversely affects protein stability, calcium sensitivity, interaction with MYBPC3, and downstream SRF signaling (PMID: 19799913, 22590617, 24736382, 31921954). To our knowledge, this variant has not been reported in individuals affected with hypertrophic cardiomyopathy but has been observed in individuals affected with dilated cardiomyopathy (PMID: 9563954, 34011823; ClinVar SCV000577700.5). This variant has been identified in 4/282300 chromosomes in the general population by the Genome Aggregation Database (gnomAD). The available evidence is insufficient to determine the role of this variant in hypertrophic cardiomyopathy conclusively. Therefore, this variant is classified as a Variant of Uncertain Significance.

AiLife Diagnostics
Classification: Likely pathogenic. Last evaluated: 2022-03-25. Review status: criteria provided, single submitter. Criteria: ACMG Guidelines, 2015. Collection method: clinical testing. Allele origin: germline. Affected: yes. Observed: 1 variant allele.

HudsonAlpha Institute for Biotechnology
Classification: Likely pathogenic for Dilated cardiomyopathy 1R. Last evaluated: 2018-08-24. Review status: criteria provided, single submitter. Criteria: ACMG Guidelines, 2015. Collection method: research. Allele origin: maternal. Observed: 1 variant allele. Study: CSER-SouthSeq.
Comment: ACMG codes: PS3, PP3, PP5

Juno Genomics, Hangzhou Juno Genomics, Inc
Classification: Likely pathogenic for Dilated cardiomyopathy 1R. Review status: criteria provided, single submitter. Criteria: ACMG Guidelines, 2015. Collection method: clinical testing. Allele origin: germline.
Comment: Absent from controls (or at extremely low frequency if recessive) in Genome Aggregation Database.;Multiple lines of computational evidence support a deleterious effect on the gene or gene product.;Co-segregation with disease in multiple affected family members.

OMIM
Classification: Pathogenic for CARDIOMYOPATHY, DILATED, 1R. Last evaluated: 1998-05-01. Review status: no assertion criteria provided. Collection method: literature only. Allele origin: germline. Not counted in ClinVar's aggregate classification.

KTest Genetics, KTest
Classification: Likely pathogenic for Dilated cardiomyopathy 1R. Review status: no assertion criteria provided. Criteria: ACMG Guidelines, 2015. Collection method: clinical testing. Allele origin: germline. Affected: yes. Not counted in ClinVar's aggregate classification.

Literature cited by the submitters: PubMed 9563954 (cited by 5 submitters); PubMed 34011823 (cited by 3 submitters); PubMed 34495297 (cited by Labcorp Genetics (formerly Invitae), Labcorp); PubMed 34930662 (cited by Labcorp Genetics (formerly Invitae), Labcorp); PubMed 19799913 (cited by 4 submitters); PubMed 22590617 (cited by 3 submitters); PubMed 24736382 (cited by 4 submitters); PubMed 35457283 (cited by Labcorp Genetics (formerly Invitae), Labcorp); PubMed 23283745 (cited by Labcorp Genetics (formerly Invitae), Labcorp); PubMed 31921954 (cited by Color Diagnostics, LLC DBA Color Health).